The following is an entry in ClinVar:

NM_000719.7(CACNA1C):c.3874G>A (p.Val1292Met)

Gene: CACNA1C (calcium voltage-gated channel subunit alpha1 C; plus strand). Cytogenetic location: 12p13.33.
Variant type: single nucleotide variant.
Coding change: c.3874G>A on transcript NM_000719.7 (MANE Select); coding-DNA position 3874, G replaced by A.
Protein change: p.Val1292Met; replaces valine 1292 with methionine.
Molecular consequence: missense variant. On other transcripts: intron variant (6).
Genome position (GRCh38, 1-based): chr12:2,634,342, G>A. VCF-style: chr12-2634342-G-A. GRCh37 (hg19) VCF-style: chr12-2743508-G-A.
Other names: c.4018G>A, p.Val1340Met (NM_001129827.2, NM_199460.4); c.3874G>A, p.Val1292Met (NM_001129829.2, NM_001129830.3, NM_001129834.2 and 8 more transcripts); c.3958G>A, p.Val1320Met (NM_001129831.2, NM_001129836.2); c.3934G>A, p.Val1312Met (NM_001129832.2); c.3912+630G>A (NM_001167624.3, NM_001167623.2, NM_001129833.2 and 2 more transcripts); c.3903+630G>A (NM_001129844.2); short protein forms V1340M, V1320M, V1292M, V1312M.
Identifiers: ClinVar variation 5033578 (VCV005033578.1).
Genomic context (GRCh38, chr12:2,634,342, plus strand): 5'-CTCTGCCCCATGCAGCACTATTTCTGTGATGCATGGAATACATTTGACGCCTTGATTGTT[G>A]TGGGTAGCATTGTTGATATAGCAATCACCGAGGTAAACGTAAGTACATGGCGTCTGTCCC-3'
Protein context (NP_000710.5, residues 1282-1302): AWNTFDALIV[Val1292Met]GSIVDIAITE

ClinVar aggregate classification (germline): Uncertain significance (1 of 4 stars; one submission).

Conditions:
Cardiovascular phenotype. Identifiers: MedGen CN230736.

Submission:

Ambry Genetics
Classification: Uncertain significance for Cardiovascular phenotype. Last evaluated: 2026-07-21. Review status: criteria provided, single submitter. Criteria: Ambry Variant Classification Scheme 2023. Collection method: clinical testing. Allele origin: germline.
Comment: The p.V1292M variant (also known as c.3874G>A), located in coding exon 30 of the CACNA1C gene, results from a G to A substitution at nucleotide position 3874. The valine at codon 1292 is replaced by methionine, an amino acid with highly similar properties. This amino acid position is conserved. In addition, the in silico prediction for this alteration is inconclusive. Based on the available evidence, the clinical significance of this variant remains unclear.